The following is an entry in ClinVar:

NM_001127255.2(NLRP7):c.219C>T (p.Asn73=)

Gene: NLRP7 (NLR family pyrin domain containing 7; minus strand). Cytogenetic location: 19q13.42.
Variant type: single nucleotide variant.
Coding change: c.219C>T on transcript NM_001127255.2 (MANE Select); coding-DNA position 219, C replaced by T.
Protein change: p.Asn73=; no amino-acid change (asparagine 73 retained).
Molecular consequence: synonymous variant.
Genome position (GRCh38, 1-based): chr19:54,941,493, G>A on the plus strand (C>T on the coding strand, the complement: NLRP7 is on the minus strand). VCF-style: chr19-54941493-G-A. GRCh37 (hg19) VCF-style: chr19-55452861-G-A.
Other names: c.219C>T, p.Asn73= (NM_001405531.1, NM_139176.4, NM_206828.4).
Identifiers: ClinVar variation 3250559 (VCV003250559.19), dbSNP rs61740183.

ClinVar aggregate classification (germline): Benign/Likely benign. Review status: criteria provided, multiple submitters, no conflicts (2 of 4 stars). 2 submissions from 2 submitters: Benign (1); Likely benign (1). Last evaluated 2024-09-18.

Allele frequency attached by ClinVar (database versions not stated): gnomAD exomes 0.00044; ExAC 0.00159; gnomAD 0.00419; ESP Exome Variant Server 0.00492; TOPMed 0.00510; 1000 Genomes Project 0.00719; 1000 Genomes Project 30x 0.00796.
gnomAD v4.1: 1,315 of 1,611,790 alleles (0.082%); highest among the groups gnomAD compares: African/African-American, 1.5%; 12 homozygotes.

Submissions (2):

Blueprint Genetics
Classification: Likely benign. Last evaluated: 2024-09-18. Review status: criteria provided, single submitter. Criteria: ACMG Guidelines, 2015. Collection method: clinical testing. Allele origin: germline.

CeGaT Center for Human Genetics Tuebingen
Classification: Benign. Last evaluated: 2024-06-01. Review status: criteria provided, single submitter. Criteria: CeGaT Center For Human Genetics Tuebingen Variant Classification Criteria Version 2. Collection method: clinical testing. Allele origin: germline. Affected: yes. Observed: 1 variant allele.
Comment: NLRP7: BP4, BP7, BS1, BS2